The following is an entry in ClinVar:

ClinVar aggregate classification (germline): Benign/Likely benign. Review status: criteria provided, multiple submitters, no conflicts (2 of 4 stars). 4 submissions from 4 submitters: Benign (3); Likely benign (1). Last evaluated 2026-01-06.

Allele frequency attached by ClinVar (database versions not stated): gnomAD 0.00032; TOPMed 0.00097; gnomAD exomes 0.00101; ExAC 0.00134; 1000 Genomes Project 30x 0.00344; 1000 Genomes Project 0.00379.
gnomAD v4.1: 393 of 1,578,212 alleles (0.025%); highest among the groups gnomAD compares: East Asian, 0.82%; 5 homozygotes.

Submissions (4):

Labcorp Genetics (formerly Invitae), Labcorp
Classification: Benign. Last evaluated: 2026-01-06. Review status: criteria provided, single submitter. Criteria: Invitae Variant Classification Sherloc (09022015). Collection method: clinical testing. Allele origin: germline.

Blueprint Genetics
Classification: Likely benign. Last evaluated: 2024-11-01. Review status: criteria provided, single submitter. Criteria: ACMG Guidelines, 2015. Collection method: clinical testing. Allele origin: germline.

Laboratory for Molecular Medicine, Mass General Brigham Personalized Medicine
Classification: Benign. Last evaluated: 2014-11-24. Review status: criteria provided, single submitter. Criteria: LMM Criteria. Collection method: clinical testing. Allele origin: germline. Observed: 2 variant alleles.
Comment: Ser180Phe in exon 4 of CEACAM16: This variant is not expected to have clinical s ignificance because it has been identified in 3.1% (6/194) of Han Chinese chromo somes from a broad population by the 1000 Genomes Project (dbSNP rs59028589).

Breakthrough Genomics
Classification: Benign. Review status: criteria provided, single submitter. Criteria: ACMG Guidelines, 2015. Collection method: not provided. Allele origin: germline. Inheritance: Autosomal recessive inheritance. Affected: yes.

NM_001039213.4(CEACAM16):c.539C>T (p.Ser180Phe)

Genes: CEACAM16-AS1 (CEACAM16, CEACAM19 and PVR antisense RNA 1; minus strand), CEACAM16 (CEA cell adhesion molecule 16, tectorial membrane component; plus strand). Cytogenetic location: 19q13.32.
Variant type: single nucleotide variant.
Coding change: c.539C>T on transcript NM_001039213.4 (MANE Select); coding-DNA position 539, C replaced by T.
Protein change: p.Ser180Phe; replaces serine 180 with phenylalanine.
Molecular consequence: missense variant.
Genome position (GRCh38, 1-based): chr19:44,704,174, C>T. VCF-style: chr19-44704174-C-T. GRCh37 (hg19) VCF-style: chr19-45207444-C-T.
Other names: short protein forms S180F.
Identifiers: ClinVar variation 226509 (VCV000226509.13), dbSNP rs59028589, ClinGen allele CA9503088.